The following is an entry in ClinVar:

ClinVar aggregate classification (germline): Pathogenic (1 of 4 stars; one submission).

Submission:

Labcorp Genetics (formerly Invitae), Labcorp
Classification: Pathogenic. Last evaluated: 2023-03-13. Review status: criteria provided, single submitter. Criteria: Invitae Variant Classification Sherloc (09022015). Collection method: clinical testing. Allele origin: germline.
Comment: This variant is not present in population databases (gnomAD no frequency). This sequence change creates a premature translational stop signal (p.Val379Leufs*53) in the TGM1 gene. It is expected to result in an absent or disrupted protein product. Loss-of-function variants in TGM1 are known to be pathogenic (PMID: 18948357, 19241467). For these reasons, this variant has been classified as Pathogenic. This variant has not been reported in the literature in individuals affected with TGM1-related conditions.

Literature cited by the submitters: PubMed 18948357; PubMed 19241467.

NM_000359.3(TGM1):c.1131_1134dup (p.Val379fs)

Gene: TGM1 (transglutaminase 1; minus strand). Cytogenetic location: 14q12.
Variant type: Duplication.
Coding change: c.1131_1134dup on transcript NM_000359.3 (MANE Select); coding-DNA positions 1131 to 1134, 4 bases duplicated (CTGG; older notation c.1131_1134dupCTGG).
Protein change: p.Val379fs; shifts the reading frame from valine 379.
Molecular consequence: frameshift variant.
Genome position (GRCh38, 1-based): chr14:24,259,100-24,259,103, CCAG duplicated on the plus strand (CTGG on the coding strand, the reverse complement: TGM1 is on the minus strand); duplicating any 4 consecutive bases within chr14:24,259,100-24,259,104 gives the same sequence; the c. name uses the placement nearest the transcript's 3' end. VCF-style (leftmost placement, unchanged base first): chr14-24259099-C-CCCAG. GRCh37 (hg19) VCF-style: chr14-24728305-C-CCCAG.
Other names: short protein forms V379fs.
Identifiers: ClinVar variation 3005658 (VCV003005658.3), dbSNP rs2502501563, ClinGen allele CA2740097727.